The following is an entry in ClinVar:

NM_203446.3(SYNJ1):c.-27A>G

Gene: SYNJ1 (synaptojanin 1; minus strand). Cytogenetic location: 21q22.11.
Variant type: single nucleotide variant.
Coding change: c.-27A>G on transcript NM_203446.3 (MANE Select); 27 bases upstream of the start codon, A replaced by G.
Molecular consequence: 5 prime UTR variant. On other transcripts: missense variant (1).
Genome position (GRCh38, 1-based): chr21:32,727,950, T>C on the plus strand (A>G on the coding strand, the complement: SYNJ1 is on the minus strand). VCF-style: chr21-32727950-T-C. GRCh37 (hg19) VCF-style: chr21-34100261-T-C.
Other names: c.91A>G, p.Lys31Glu (NM_003895.4); short protein forms K31E.
Identifiers: ClinVar variation 2075748 (VCV002075748.1), dbSNP rs1376267281, ClinGen allele CA410078621.

ClinVar aggregate classification (germline): Uncertain significance (1 of 4 stars; one submission).

Conditions:
Developmental and epileptic encephalopathy, 53. Also called: Epileptic encephalopathy, early infantile, 53. Identifiers: MedGen C4479313, MONDO:0033362, OMIM 617389.
Early-onset Parkinson disease 20. Also called: PARKINSON DISEASE 20, AUTOSOMAL RECESSIVE EARLY-ONSET. Identifiers: Orphanet 391411, MedGen C3809824, MONDO:0014233, OMIM 615530.

Allele frequency attached by ClinVar (database versions not stated): gnomAD exomes below 0.00001.
gnomAD v4.1: 5 of 1,533,056 alleles (0.00033%); highest among the groups gnomAD compares: East Asian, 0.0025%; no homozygotes.

Submission:

Labcorp Genetics (formerly Invitae), Labcorp
Classification: Uncertain significance for Developmental and epileptic encephalopathy, 53; Early-onset Parkinson disease 20. Last evaluated: 2022-08-21. Review status: criteria provided, single submitter. Criteria: Invitae Variant Classification Sherloc (09022015). Collection method: clinical testing. Allele origin: germline.
Comment: This sequence change replaces lysine, which is basic and polar, with glutamic acid, which is acidic and polar, at codon 31 of the SYNJ1 protein (p.Lys31Glu). The frequency data for this variant in the population databases is considered unreliable, as metrics indicate poor data quality at this position in the gnomAD database. This variant has not been reported in the literature in individuals affected with SYNJ1-related conditions. Algorithms developed to predict the effect of missense changes on protein structure and function are either unavailable or do not agree on the potential impact of this missense change (SIFT: "Deleterious"; PolyPhen-2: "Probably Damaging"; Align-GVGD: "Class C0"). In summary, the available evidence is currently insufficient to determine the role of this variant in disease. Therefore, it has been classified as a Variant of Uncertain Significance.